The following is an entry in ClinVar:

ClinVar aggregate classification (germline): Pathogenic (1 of 4 stars; one submission).

Conditions:
Retinal dystrophy. Also called: Inherited retinal dystrophy. Identifiers: Orphanet 71862, MedGen C0854723, MeSH D058499, MONDO:0019118, HP:0000556.

Submission:

Ophthalmic Genetics Group, Institute of Molecular and Clinical Ophthalmology Basel
Classification: Pathogenic for Retinal dystrophy. Last evaluated: 2024-05-27. Review status: criteria provided, single submitter. Criteria: ACMG Guidelines, 2015. Collection method: research. Allele origin: germline. Affected: yes. Observed: 11 variant alleles.
Comment: This variant was classified as Pathogenic based on ACMG criteria: PVS1_very strong, PM2_mod, PM3_mod and PP1_strong

Literature cited by the submitters: PubMed 40180963.

NM_006269.2(RP1):c.711C>G (p.Tyr237Ter)

Gene: RP1 (RP1 axonemal microtubule associated; plus strand). Cytogenetic location: 8q12.1.
Variant type: single nucleotide variant.
Coding change: c.711C>G on transcript NM_006269.2 (MANE Select); coding-DNA position 711, C replaced by G.
Protein change: p.Tyr237Ter; replaces tyrosine 237 with a stop codon.
Molecular consequence: nonsense.
Genome position (GRCh38, 1-based): chr8:54,622,212, C>G. VCF-style: chr8-54622212-C-G. GRCh37 (hg19) VCF-style: chr8-55534772-C-G.
Other names: NC_000008.10:g.55534772C>G; NP_006260.1:p.(Tyr237Ter); c.711C>G, p.Tyr237Ter (NM_001375654.1); short protein forms Y237*.
Identifiers: ClinVar variation 3381769 (VCV003381769.2).